The following is an entry in ClinVar:

ClinVar aggregate classification (germline): Pathogenic (1 of 4 stars; one submission).

Conditions:
Asphyxiating thoracic dystrophy 3. Also called: SHORT-RIB THORACIC DYSPLASIA 3 WITH OR WITHOUT POLYDACTYLY; POLYDACTYLY WITH NEONATAL CHONDRODYSTROPHY, TYPE I; SHORT-RIB THORACIC DYSPLASIA 3/6 WITH POLYDACTYLY, DIGENIC; Short rib polydactyly syndrome 2B; Saldino-Noonan Syndrome. Identifiers: Orphanet 474, Orphanet 93269, Orphanet 93270, Orphanet 93271, MedGen C0036069, MONDO:0013127, OMIM 613091.

Submission:

Myriad Genetics, Inc.
Classification: Pathogenic for Asphyxiating thoracic dystrophy 3. Last evaluated: 2026-03-11. Review status: criteria provided, single submitter. Criteria: Myriad Autosomal Dominant, Autosomal Recessive and X-Linked Classification Criteria (2023). Collection method: clinical testing. Allele origin: unknown.
Comment: NM_001377.2(DYNC2H1):c.8217T>A(Y2739*) is expected to be pathogenic in the context of DYNC2H1-related disorders. This variant is predicted to lead to an abnormal or absent protein product due to the creation of a premature termination codon in DYNC2H1, a gene where loss-of-function variants are known to be pathogenic. Please note: this variant was assessed in the context of healthy population screening.

NM_001377.3(DYNC2H1):c.8217T>A (p.Tyr2739Ter)

Gene: DYNC2H1 (dynein cytoplasmic 2 heavy chain 1; plus strand). Cytogenetic location: 11q22.3.
Variant type: single nucleotide variant.
Coding change: c.8217T>A on transcript NM_001377.3 (MANE Select); coding-DNA position 8217, T replaced by A.
Protein change: p.Tyr2739Ter; replaces tyrosine 2739 with a stop codon.
Molecular consequence: nonsense.
Genome position (GRCh38, 1-based): chr11:103,203,682, T>A. VCF-style: chr11-103203682-T-A. GRCh37 (hg19) VCF-style: chr11-103074411-T-A.
Other names: c.8217T>A, p.Tyr2739Ter (NM_001080463.2); short protein forms Y2739*.
Identifiers: ClinVar variation 5015666 (VCV005015666.1).